The following is an entry in ClinVar:

NM_016507.4(CDK12):c.3152G>A (p.Arg1051Gln)

Gene: CDK12 (cyclin dependent kinase 12; plus strand). Cytogenetic location: 17q12.
Variant type: single nucleotide variant.
Coding change: c.3152G>A on transcript NM_016507.4 (MANE Select); coding-DNA position 3152, G replaced by A.
Protein change: p.Arg1051Gln; replaces arginine 1051 with glutamine.
Molecular consequence: missense variant.
Genome position (GRCh38, 1-based): chr17:39,524,730, G>A. VCF-style: chr17-39524730-G-A. GRCh37 (hg19) VCF-style: chr17-37680983-G-A.
Other names: c.3152G>A, p.Arg1051Gln (NM_015083.4); short protein forms R1051Q.
Identifiers: ClinVar variation 3999319 (VCV003999319.1).
Genomic context (GRCh38, chr17:39,524,730, plus strand): 5'-CCAGCCTCCCCCACTGGCAGGATTGCCATGAGTTGTGGAGTAAGAAACGGCGACGTCAGC[G>A]ACAAAGTGGTGTTGTAGTCGAAGAGCCACCTCCATCCAAAACTTCTCGAAAAGAAACTAC-3'
Protein context (NP_057591.2, residues 1041-1061): ELWSKKRRRQ[Arg1051Gln]QSGVVVEEPP

ClinVar aggregate classification (germline): Uncertain significance (1 of 4 stars; one submission).

gnomAD v4.1: 1 of 1,614,158 alleles (0.000062%); highest among the groups gnomAD compares: East Asian, 0.0022%; no homozygotes.

Submission:

Ambry Genetics
Classification: Uncertain significance. Last evaluated: 2025-04-05. Review status: criteria provided, single submitter. Criteria: Ambry Variant Classification Scheme 2023. Collection method: clinical testing. Allele origin: germline.
Comment: The p.R1051Q variant (also known as c.3152G>A), located in coding exon 12 of the CDK12 gene, results from a G to A substitution at nucleotide position 3152. The arginine at codon 1051 is replaced by glutamine, an amino acid with highly similar properties. This amino acid position is conserved. In addition, this alteration is predicted to be tolerated by in silico analysis. Based on the available evidence, the clinical significance of this variant remains unclear.